The following is an entry in ClinVar:

ClinVar aggregate classification (germline): Uncertain significance. Review status: criteria provided, multiple submitters, no conflicts (2 of 4 stars). 4 submissions from 4 submitters: Uncertain significance (4). Last evaluated 2025-05-23.

Conditions:
Hereditary cancer-predisposing syndrome. Also called: Hereditary neoplastic syndrome; Neoplastic Syndromes, Hereditary; Tumor predisposition; Hereditary Cancer Syndrome. Identifiers: Orphanet 140162, MedGen C0027672, MeSH D009386, MONDO:0015356.
Multiple endocrine neoplasia, type 1 (MEN1). Also called: Endocrine adenomatosis multiple; MEN 1; MEN I; WERMER SYNDROME; MEA I. Identifiers: Orphanet 652, MedGen C0025267, MeSH D018761, MONDO:0007540, OMIM 131100.

Allele frequency attached by ClinVar (database versions not stated): gnomAD exomes below 0.00001; TOPMed below 0.00001.
gnomAD v4.1: 5 of 1,582,220 alleles (0.00032%); highest among the groups gnomAD compares: African/African-American, 0.0028%; no homozygotes.

Submissions (4):

Ambry Genetics
Classification: Uncertain significance for Hereditary cancer-predisposing syndrome. Last evaluated: 2025-05-23. Review status: criteria provided, single submitter. Criteria: Ambry Variant Classification Scheme 2023. Collection method: clinical testing. Allele origin: germline.
Comment: The p.D70N variant (also known as c.208G>A), located in coding exon 1 of the MEN1 gene, results from a G to A substitution at nucleotide position 208. The aspartic acid at codon 70 is replaced by asparagine, an amino acid with highly similar properties. This amino acid position is not well conserved in available vertebrate species. In addition, the in silico prediction for this alteration is inconclusive. Based on the available evidence, the clinical significance of this variant remains unclear.

Labcorp Genetics (formerly Invitae), Labcorp
Classification: Uncertain significance for Multiple endocrine neoplasia, type 1. Last evaluated: 2025-04-20. Review status: criteria provided, single submitter. Criteria: Invitae Variant Classification Sherloc (09022015). Collection method: clinical testing. Allele origin: germline.
Comment: This sequence change replaces aspartic acid, which is acidic and polar, with asparagine, which is neutral and polar, at codon 70 of the MEN1 protein (p.Asp70Asn). The frequency data for this variant in the population databases is considered unreliable, as metrics indicate poor data quality at this position in the gnomAD database. This variant has not been reported in the literature in individuals affected with MEN1-related conditions. ClinVar contains an entry for this variant (Variation ID: 1007982). Invitae Evidence Modeling of protein sequence and biophysical properties (such as structural, functional, and spatial information, amino acid conservation, physicochemical variation, residue mobility, and thermodynamic stability) has been performed for this missense variant. However, the output from this modeling did not meet the statistical confidence thresholds required to predict the impact of this variant on MEN1 protein function. In summary, the available evidence is currently insufficient to determine the role of this variant in disease. Therefore, it has been classified as a Variant of Uncertain Significance.

All of Us Research Program, National Institutes of Health
Classification: Uncertain significance for Multiple endocrine neoplasia, type 1. Last evaluated: 2024-07-29. Review status: criteria provided, single submitter. Criteria: ACMG Guidelines, 2015. Collection method: clinical testing. Allele origin: germline. Inheritance: Autosomal dominant inheritance. Observed: 1 variant allele, 1 heterozygote.
Comment: This missense variant replaces aspartic acid with asparagine at codon 70 of the MEN1 protein. Computational prediction suggests that this variant may not impact protein structure and function (internally defined REVEL score threshold <= 0.5, PMID: 27666373). To our knowledge, functional studies have not been reported for this variant. This variant has not been reported in individuals affected with MEN1-related disorders in the literature. This variant has not been identified in the general population by the Genome Aggregation Database (gnomAD). The available evidence is insufficient to determine the role of this variant in disease conclusively. Therefore, this variant is classified as a Variant of Uncertain Significance.

This study involves interpretation of variants in research participants for the purpose of population health screening. Participant phenotype was not available at the time of variant classification. Additional details can be found in publication PMID: 35346344, PMCID: PMC8962531

Baylor Genetics
Classification: Uncertain significance for Multiple Endocrine Neoplasia Type 1. Last evaluated: 2023-10-26. Review status: criteria provided, single submitter. Criteria: ACMG Guidelines, 2015. Collection method: clinical testing. Allele origin: unknown.

NM_001370259.2(MEN1):c.208G>A (p.Asp70Asn)

Gene: MEN1 (menin 1; minus strand). Cytogenetic location: 11q13.1.
Variant type: single nucleotide variant.
Coding change: c.208G>A on transcript NM_001370259.2 (MANE Select); coding-DNA position 208, G replaced by A.
Protein change: p.Asp70Asn; replaces aspartic acid 70 with asparagine.
Molecular consequence: missense variant.
Genome position (GRCh38, 1-based): chr11:64,809,902, C>T on the plus strand (G>A on the coding strand, the complement: MEN1 is on the minus strand). VCF-style: chr11-64809902-C-T. GRCh37 (hg19) VCF-style: chr11-64577374-C-T.
Other names: c.208G>A, p.Asp70Asn (NM_000244.4, NM_001370251.2, NM_001370260.2 and 9 more transcripts); short protein forms D70N.
Identifiers: ClinVar variation 1007982 (VCV001007982.14), dbSNP rs1283021293, ClinGen allele CA381187646.